The following is an entry in ClinVar:

ClinVar aggregate classification (germline): Conflicting classifications of pathogenicity. Review status: criteria provided, conflicting classifications (1 of 4 stars). 2 submissions from 2 submitters: Uncertain significance (1); Likely benign (1). Last evaluated 2024-11-05.

Conditions:
Mucopolysaccharidosis, MPS-IV-B (MPS4B). Also called: MORQUIO SYNDROME B; Mucopolysaccharidosis type IV B; Mucopolysaccharidosis type IVB (Morquio); MPS IVB; Mucopolysaccharidosis Type IVB; Mucopolysaccharidosis Type IVB (Morquio B Disease). Identifiers: Orphanet 309310, Orphanet 582, MedGen C0086652, MONDO:0009660, OMIM 253010.
GM1 gangliosidosis. Identifiers: Orphanet 354, MedGen C0085131, MONDO:0018149.

gnomAD v4.1: 8 of 1,612,332 alleles (0.0005%); highest among the groups gnomAD compares: African/African-American, 0.0093%; no homozygotes.

Submissions (2):

Labcorp Genetics (formerly Invitae), Labcorp
Classification: Uncertain significance for Mucopolysaccharidosis, MPS-IV-B; GM1 gangliosidosis. Last evaluated: 2024-11-05. Review status: criteria provided, single submitter. Criteria: Invitae Variant Classification Sherloc (09022015). Collection method: clinical testing. Allele origin: germline.
Comment: This sequence change falls in intron 10 of the GLB1 gene. It does not directly change the encoded amino acid sequence of the GLB1 protein. It affects a nucleotide within the consensus splice site. This variant is not present in population databases (gnomAD no frequency). This variant has not been reported in the literature in individuals affected with GLB1-related conditions. Variants that disrupt the consensus splice site are a relatively common cause of aberrant splicing (PMID: 17576681, 9536098). Algorithms developed to predict the effect of sequence changes on RNA splicing suggest that this variant is not likely to affect RNA splicing. In summary, the available evidence is currently insufficient to determine the role of this variant in disease. Therefore, it has been classified as a Variant of Uncertain Significance.

Blueprint Genetics
Classification: Likely benign. Last evaluated: 2024-09-16. Review status: criteria provided, single submitter. Criteria: ACMG Guidelines, 2015. Collection method: clinical testing. Allele origin: germline.

Literature cited by the submitters: PubMed 17576681 (cited by Labcorp Genetics (formerly Invitae), Labcorp); PubMed 9536098 (cited by Labcorp Genetics (formerly Invitae), Labcorp).

NM_000404.4(GLB1):c.1068+4G>A

Gene: GLB1 (galactosidase beta 1; minus strand). Cytogenetic location: 3p22.3.
Variant type: single nucleotide variant.
Coding change: c.1068+4G>A on transcript NM_000404.4 (MANE Select); 4 bases into the intron after coding-DNA position 1068, G replaced by A.
Molecular consequence: intron variant.
Genome position (GRCh38, 1-based): chr3:33,046,116, C>T on the plus strand (G>A on the coding strand, the complement: GLB1 is on the minus strand). VCF-style: chr3-33046116-C-T. GRCh37 (hg19) VCF-style: chr3-33087608-C-T.
Other names: c.1068+4G>A (NM_001393580.1); c.675+4G>A (NM_001135602.3); c.1212+4G>A (NM_001317040.2); c.978+4G>A (NM_001079811.3).
Identifiers: ClinVar variation 3761308 (VCV003761308.2).
Genomic context (GRCh38, chr3:33,046,116, plus strand): 5'-CACAGTGAGTTCAAAAGAGGCTCTGTCCAAGATCAGCCCACCACAGCTCATACAAAGCAC[C>T]CACCTTCTGGATGATGTTTCGCAGAGCAAAATACTTCTCAGTGAGGTCCCCAGCCTCACT-3'